The following is an entry in ClinVar:

ClinVar aggregate classification (germline): Uncertain significance. Review status: criteria provided, multiple submitters, no conflicts (2 of 4 stars). 2 submissions from 2 submitters: Uncertain significance (2). Last evaluated 2025-10-01.

Conditions:
Inborn genetic diseases. Identifiers: MedGen C0950123, MeSH D030342.
TNFRSF13B-related disorder. Also called: TNFRSF13B-related condition.

Allele frequency attached by ClinVar (database versions not stated): ExAC 0.00001; gnomAD exomes 0.00001; TOPMed 0.00001; gnomAD 0.00003.
gnomAD v4.1: 14 of 1,613,518 alleles (0.00087%); highest among the groups gnomAD compares: East Asian, 0.027%; no homozygotes.

Submissions (2):

PreventionGenetics, part of Exact Sciences
Classification: Uncertain significance for TNFRSF13B-related condition. Last evaluated: 2025-10-01. Review status: criteria provided, single submitter. Criteria: ACMG Guidelines, 2015. Collection method: clinical testing. Allele origin: germline.
Comment: The TNFRSF13B c.824C>T variant is predicted to result in the amino acid substitution p.Pro275Leu. To our knowledge, this variant has not been reported in the literature. This variant is reported in 0.060% of alleles in individuals of East Asian descent in gnomAD. Although we suspect that this variant may be benign, at this time, the clinical significance of this variant is uncertain due to the absence of conclusive functional and genetic evidence.

Ambry Genetics
Classification: Uncertain significance for Inborn genetic diseases. Last evaluated: 2024-02-26. Review status: criteria provided, single submitter. Criteria: Ambry Variant Classification Scheme 2023. Collection method: clinical testing. Allele origin: germline.

NM_012452.3(TNFRSF13B):c.824C>T (p.Pro275Leu)

Gene: TNFRSF13B (TNF receptor superfamily member 13B; minus strand). Cytogenetic location: 17p11.2.
Variant type: single nucleotide variant.
Coding change: c.824C>T on transcript NM_012452.3 (MANE Select); coding-DNA position 824, C replaced by T.
Protein change: p.Pro275Leu; replaces proline 275 with leucine.
Molecular consequence: missense variant.
Genome position (GRCh38, 1-based): chr17:16,939,605, G>A on the plus strand (C>T on the coding strand, the complement: TNFRSF13B is on the minus strand). VCF-style: chr17-16939605-G-A. GRCh37 (hg19) VCF-style: chr17-16842919-G-A.
Other names: short protein forms P275L.
Identifiers: ClinVar variation 3180240 (VCV003180240.2), dbSNP rs761400653, ClinGen allele CA8413843.